The following is an entry in ClinVar:

NM_001114753.3(ENG):c.950T>A (p.Leu317Gln)

Gene: ENG (endoglin; minus strand). Cytogenetic location: 9q34.11.
Variant type: single nucleotide variant.
Coding change: c.950T>A on transcript NM_001114753.3 (MANE Select); coding-DNA position 950, T replaced by A.
Protein change: p.Leu317Gln; replaces leucine 317 with glutamine.
Molecular consequence: missense variant.
Genome position (GRCh38, 1-based): chr9:127,824,841, A>T on the plus strand (T>A on the coding strand, the complement: ENG is on the minus strand). VCF-style: chr9-127824841-A-T. GRCh37 (hg19) VCF-style: chr9-130587120-A-T.
Other names: p.Leu317Gln; c.950T>A, p.Leu317Gln (NM_000118.4, NM_001406715.1); c.404T>A, p.Leu135Gln (NM_001278138.2); short protein forms L317Q, L135Q.
Identifiers: ClinVar variation 2714297 (VCV002714297.5), dbSNP rs2539072799, ClinGen allele CA374982101.

ClinVar aggregate classification (germline): Uncertain significance. Review status: criteria provided, multiple submitters, no conflicts (2 of 4 stars). 3 submissions from 3 submitters: Uncertain significance (3). Last evaluated 2025-03-20.

Conditions:
Telangiectasia, hereditary hemorrhagic, type 1 (HHT1). Also called: Osler Weber Rendu syndrome type 1; ENG-Related Hereditary Hemorrhagic Telangiectasia. Identifiers: Orphanet 774, MedGen C4551861, MONDO:0008535, OMIM 187300. Disease mechanism: loss of function.
Hereditary hemorrhagic telangiectasia (HHT). Also called: ORW DISEASE; Osler Weber Rendu syndrome; OSLER-RENDU-WEBER DISEASE; Osler hemorrhagic telangiectasia syndrome. Identifiers: Orphanet 774, MedGen C0039445, MONDO:0019180. Disease mechanism: loss of function.

Submissions (3):

ARUP Laboratories, Molecular Genetics and Genomics, ARUP Laboratories
Classification: Uncertain significance for Telangiectasia, hereditary hemorrhagic, type 1. Last evaluated: 2025-03-20. Review status: criteria provided, single submitter. Criteria: ARUP Molecular Germline Variant Investigation Process 2024. Collection method: clinical testing. Allele origin: germline.
Comment: The ENG c.950T>A; p.Leu317Gln variant, to our knowledge, is not reported in the medical literature but is reported in ClinVar (Variation ID: 2714297). This variant is also absent from the Genome Aggregation Database (v2.1.1), indicating it is not a common polymorphism. Computational analyses are uncertain whether this variant is neutral or deleterious (REVEL: 0.294). Due to limited information, the clinical significance of this variant is uncertain at this time.

Mayo Clinic Laboratories, Mayo Clinic
Classification: Uncertain significance. Last evaluated: 2024-06-12. Review status: criteria provided, single submitter. Criteria: ACMG Guidelines, 2015. Collection method: clinical testing. Allele origin: germline. Observed: 1 variant allele.
Comment: PM2

Labcorp Genetics (formerly Invitae), Labcorp
Classification: Uncertain significance for Hereditary hemorrhagic telangiectasia. Last evaluated: 2024-01-31. Review status: criteria provided, single submitter. Criteria: Invitae Variant Classification Sherloc (09022015). Collection method: clinical testing. Allele origin: germline.
Comment: This sequence change replaces leucine, which is neutral and non-polar, with glutamine, which is neutral and polar, at codon 317 of the ENG protein (p.Leu317Gln). This variant is not present in population databases (gnomAD no frequency). This variant has not been reported in the literature in individuals affected with ENG-related conditions. Advanced modeling of protein sequence and biophysical properties (such as structural, functional, and spatial information, amino acid conservation, physicochemical variation, residue mobility, and thermodynamic stability) has been performed at Invitae for this missense variant, however the output from this modeling did not meet the statistical confidence thresholds required to predict the impact of this variant on ENG protein function. In summary, the available evidence is currently insufficient to determine the role of this variant in disease. Therefore, it has been classified as a Variant of Uncertain Significance.